The following is an entry in ClinVar:

ClinVar aggregate classification (germline): Likely pathogenic. Review status: reviewed by expert panel (3 of 4 stars). 4 submissions from 4 submitters: Likely pathogenic (1). 3 of the submissions do not count toward it. Last evaluated 2025-09-02.

Conditions:
Glycogen storage disease, type II (IOPD). Also called: CARDIOMEGALIA GLYCOGENICA DIFFUSA; GLYCOGENOSIS, GENERALIZED, CARDIAC FORM; GSD II; POMPE DISEASE, INFANTILE-ONSET; GLYCOGEN STORAGE DISEASE II, INFANTILE-ONSET; ACID ALPHA-GLUCOSIDASE DEFICIENCY, INFANTILE-ONSET. Identifiers: Orphanet 365, MedGen C0017921, MONDO:0009290, OMIM 232300.

Allele frequency attached by ClinVar (database versions not stated): gnomAD exomes below 0.00001.

Submissions (4):

ClinGen Lysosomal Storage Disorder Variant Curation Expert Panel
Classification: Likely pathogenic for Glycogen storage disease, type II. Last evaluated: 2025-09-02. Review status: reviewed by expert panel. Criteria: clingen_lsd_acmg_specifications_v2-1. Collection method: curation. Allele origin: germline. Inheritance: Autosomal recessive inheritance.
Comment: The NM_000152.5:c.2189+3G>C variant in GAA is located in the donor splice site region of intron 15. At least 2 probands with IOPD and GAA activity in the affected range in dried blood spot have been reported with this variant (Duke Molecular Diagnostic Laboratory; PMIDs: 22252923, 31606152, 33301762) (PP4_Moderate). Of those individuals, one was compound heterozygous for the variant and a variant classified as pathogenic by the ClinGen Lysosomal Diseases VCEP, c.1930_1936dup (p.Val646GlyfsTer93) (ClinVar Variation ID: 1411575) (PMID: 31606152), phase unconfirmed. One individual was homozygous for the variant (PMID: 33301762) (PM3). The highest population minor allele frequency in gnomAD v4.1.0. is 0.00001345 (1/74366 alleles) in the African/African American population, which is lower than the ClinGen Lysosomal Diseases VCEP’s threshold for PM2_Supporting (<0.001), meeting this criterion (PM2_Supporting). The computational predictor SpliceAI gives a score of 0.46 for loss of the intron 15 donor splice site, and a score of 0.27 for loss of the intron 14 acceptor splice site suggesting possible effect on splicing. While this SpliceAI score does not meet the current SpliceAI threshold (>0.5) of the ClinGen Lysosomal Diseases VCEP, a prediction score of 0.46 for donor loss meets the ClinGen Sequence Variant Interpretation Splicing Subgroup's recommendation to apply PP3 for variants with a SpliceAI score >0.2 (PMID: 37352859). Therefore, PP3 will be applied. (PP3). There is a ClinVar entry for this variant (Variation ID: 1409309). In summary, this variant meets the criteria to be classified as likely pathogenic for Pompe disease based on the ACMG/AMP criteria applied, as specified by the ClinGen Lysosomal Diseases Variant Curation Expert panel (specifications Version 2.0): PM2_Supporting, PM3, PP3, PP4_Moderate. (Classification approved by the ClinGen Lysosomal Diseases Variant Curation Expert Panel on September 2, 2025).

Genomenon, Inc
Classification: Likely pathogenic for Glycogen storage disease, type II. Last evaluated: 2026-07-01. Review status: criteria provided, single submitter. Criteria: Genomenon Sequence Variant Interpretation Standards - Updated. Collection method: curation. Allele origin: germline. Affected: yes. Not counted in ClinVar's aggregate classification.
Comment: GAA c.2189+3G>C is an intronic variant located in the donor splice region of intron 15. This variant has been observed in at least one proband with a GAA-related disorder in the compound heterozygous and/or homozygous state (PMID:33301762;31606152). It is absent or not present at a significant frequency in gnomAD. In silico models predict that this variant is possibly or probably damaging. In conclusion, we classify GAA c.2189+3G>C as a likely pathogenic variant.

Baylor Genetics
Classification: Likely pathogenic for Glycogen storage disease, type II. Last evaluated: 2024-03-30. Review status: criteria provided, single submitter. Criteria: ACMG Guidelines, 2015. Collection method: clinical testing. Allele origin: unknown. Not counted in ClinVar's aggregate classification.

Labcorp Genetics (formerly Invitae), Labcorp
Classification: Uncertain significance for Glycogen storage disease, type II. Last evaluated: 2020-12-09. Review status: criteria provided, single submitter. Criteria: Invitae Variant Classification Sherloc (09022015). Collection method: clinical testing. Allele origin: germline. Not counted in ClinVar's aggregate classification.
Comment: This sequence change falls in intron 15 of the GAA gene. It does not directly change the encoded amino acid sequence of the GAA protein. It affects a nucleotide within the consensus splice site of the intron. This variant is not present in population databases (ExAC no frequency). This variant has been observed in individual(s) with Pompe disease (PMID: 22252923). Nucleotide substitutions within the consensus splice site are a relatively common cause of aberrant splicing (PMID: 17576681, 9536098). Algorithms developed to predict the effect of sequence changes on RNA splicing suggest that this variant may disrupt the consensus splice site, but this prediction has not been confirmed by published transcriptional studies. In summary, the available evidence is currently insufficient to determine the role of this variant in disease. Therefore, it has been classified as a Variant of Uncertain Significance.

Literature cited by the submitters: PubMed 33301762 (cited by Genomenon, Inc); PubMed 31606152 (cited by Genomenon, Inc); PubMed 22252923 (cited by Labcorp Genetics (formerly Invitae), Labcorp); PubMed 17576681 (cited by Labcorp Genetics (formerly Invitae), Labcorp); PubMed 9536098 (cited by Labcorp Genetics (formerly Invitae), Labcorp).

NM_000152.5(GAA):c.2189+3G>C

Gene: GAA (alpha glucosidase; plus strand). Cytogenetic location: 17q25.3.
Variant type: single nucleotide variant.
Coding change: c.2189+3G>C on transcript NM_000152.5 (MANE Select); 3 bases into the intron after coding-DNA position 2189, G replaced by C.
Molecular consequence: intron variant.
Genome position (GRCh38, 1-based): chr17:80,113,369, G>C. VCF-style: chr17-80113369-G-C. GRCh37 (hg19) VCF-style: chr17-78087168-G-C.
Other names: c.2189+3G>C (NM_001079803.3, NM_001079804.3).
Identifiers: ClinVar variation 1409309 (VCV001409309.10), dbSNP rs2143897458, ClinGen allele CA658795276.